The following is an entry in ClinVar:

ClinVar aggregate classification (germline): Likely pathogenic (1 of 4 stars; one submission).

Conditions:
Junctional epidermolysis bullosa. Identifiers: Orphanet 305, MedGen C0079301, MONDO:0017612.

Submission:

Myriad Genetics, Inc.
Classification: Likely pathogenic for Junctional epidermolysis bullosa. Last evaluated: 2022-03-30. Review status: criteria provided, single submitter. Criteria: Myriad Autosomal Dominant, Autosomal Recessive and X-Linked Classification Criteria (2023). Collection method: clinical testing. Allele origin: unknown.
Comment: NM_000228.2(LAMB3):c.421A>T(K141*) is expected to be pathogenic in the context of junctional epidermolysis bullosa, LAMB3-related. This variant is predicted to lead to an abnormal or absent protein product due to the creation of a premature termination codon in LAMB3, a gene where loss-of-function variants are known to be pathogenic. Please note: this variant was assessed in the context of healthy population screening.

NM_000228.3(LAMB3):c.421A>T (p.Lys141Ter)

Gene: LAMB3 (laminin subunit beta 3; minus strand). Cytogenetic location: 1q32.2.
Variant type: single nucleotide variant.
Coding change: c.421A>T on transcript NM_000228.3 (MANE Select); coding-DNA position 421, A replaced by T.
Protein change: p.Lys141Ter; replaces lysine 141 with a stop codon.
Molecular consequence: nonsense.
Genome position (GRCh38, 1-based): chr1:209,634,590, T>A on the plus strand (A>T on the coding strand, the complement: LAMB3 is on the minus strand). VCF-style: chr1-209634590-T-A. GRCh37 (hg19) VCF-style: chr1-209807935-T-A.
Other names: c.421A>T, p.Lys141Ter (NM_001017402.2, NM_001127641.1); short protein forms K141*.
Identifiers: ClinVar variation 1725559 (VCV001725559.3), dbSNP rs2464880318, ClinGen allele CA344596149.